The following is an entry in ClinVar:

ClinVar aggregate classification (germline): Uncertain significance (1 of 4 stars; one submission).

Conditions:
Hereditary cancer-predisposing syndrome. Also called: Neoplastic Syndromes, Hereditary; Tumor predisposition; Hereditary Cancer Syndrome; Hereditary neoplastic syndrome. Identifiers: Orphanet 140162, MedGen C0027672, MeSH D009386, MONDO:0015356.

Submission:

Ambry Genetics
Classification: Uncertain significance for Hereditary cancer-predisposing syndrome. Last evaluated: 2025-11-04. Review status: criteria provided, single submitter. Criteria: Ambry Variant Classification Scheme 2023. Collection method: clinical testing. Allele origin: germline.
Comment: The p.Q3227L variant (also known as c.9680A>T), located in coding exon 26 of the BRCA2 gene, results from an A to T substitution at nucleotide position 9680. The glutamine at codon 3227 is replaced by leucine, an amino acid with dissimilar properties. This amino acid position is conserved. In addition, this alteration is predicted to be tolerated by in silico analysis. Based on the available evidence, the clinical significance of this variant remains unclear.

NM_000059.4(BRCA2):c.9680A>T (p.Gln3227Leu)

Gene: BRCA2 (BRCA2 DNA repair associated; plus strand). Cytogenetic location: 13q13.1.
Variant type: single nucleotide variant.
Coding change: c.9680A>T on transcript NM_000059.4 (MANE Select); coding-DNA position 9680, A replaced by T.
Protein change: p.Gln3227Leu; replaces glutamine 3227 with leucine.
Molecular consequence: missense variant. On other transcripts: non-coding transcript variant (1).
Genome position (GRCh38, 1-based): chr13:32,398,193, A>T. VCF-style: chr13-32398193-A-T. GRCh37 (hg19) VCF-style: chr13-32972330-A-T.
Other names: c.9584A>T, p.Gln3195Leu (NM_001406719.1); c.9629A>T, p.Gln3210Leu (NM_001406720.1); c.4748A>T, p.Gln1583Leu (NM_001406721.1); c.3263A>T, p.Gln1088Leu (NM_001406722.1); c.9680A>T, p.Gln3227Leu (NM_001432077.1); short protein forms Q1088L, Q3210L, Q3227L, Q3195L, Q1583L.
Identifiers: ClinVar variation 4629100 (VCV004629100.1).